The following is an entry in ClinVar:

ClinVar aggregate classification (germline): Uncertain significance (1 of 4 stars; one submission).

Conditions:
Epidermolysis bullosa simplex 3, localized or generalized intermediate, with BP230 deficiency (EBS3). Also called: Epidermolysis bullosa simplex, autosomal recessive 2; Epidermolysis bullosa simplex due to BP230 deficiency. Identifiers: Orphanet 412181, MedGen C3809470, MONDO:0014180, OMIM 615425.
Hereditary sensory and autonomic neuropathy type 6. Also called: Neuropathy, hereditary sensory and autonomic, type VI; HSAN VI. Identifiers: Orphanet 314381, MedGen C3539003, MONDO:0013839, OMIM 614653.

Allele frequency attached by ClinVar (database versions not stated): gnomAD exomes 0.00001.
gnomAD v4.1: 7 of 1,613,994 alleles (0.00043%); highest among the groups gnomAD compares: Non-Finnish European, 0.00059%; no homozygotes.

Submission:

Labcorp Genetics (formerly Invitae), Labcorp
Classification: Uncertain significance for Epidermolysis bullosa simplex 3, localized or generalized intermediate, with BP230 deficiency; Hereditary sensory and autonomic neuropathy type 6. Last evaluated: 2020-10-24. Review status: criteria provided, single submitter. Criteria: Invitae Variant Classification Sherloc (09022015). Collection method: clinical testing. Allele origin: germline.
Comment: Algorithms developed to predict the effect of missense changes on protein structure and function are either unavailable or do not agree on the potential impact of this missense change (SIFT: "Tolerated"; PolyPhen-2: "Not Available"; Align-GVGD: "Class C0"). This sequence change replaces isoleucine with methionine at codon 4586 of the DST protein (p.Ile4586Met). The isoleucine residue is highly conserved and there is a small physicochemical difference between the two amino acids. The DST gene has multiple clinically relevant transcripts. This variant occurs in alternate transcript NM_015548.4, and corresponds to NM_001723.5:c.*138124C>G in the primary transcript. This variant is not present in population databases (ExAC no frequency). This variant has not been reported in the literature in individuals with DST-related conditions. In summary, the available evidence is currently insufficient to determine the role of this variant in disease. Therefore, it has been classified as a Variant of Uncertain Significance.

NM_001374736.1(DST):c.21627C>G (p.Ile7209Met)

Gene: DST (dystonin; minus strand). Cytogenetic location: 6p12.1.
Variant type: single nucleotide variant.
Coding change: c.21627C>G on transcript NM_001374736.1 (MANE Select); coding-DNA position 21627, C replaced by G.
Protein change: p.Ile7209Met; replaces isoleucine 7209 with methionine.
Molecular consequence: missense variant.
Genome position (GRCh38, 1-based): chr6:56,477,393, G>C on the plus strand (C>G on the coding strand, the complement: DST is on the minus strand). VCF-style: chr6-56477393-G-C. GRCh37 (hg19) VCF-style: chr6-56342191-G-C.
Other names: c.15270C>G, p.Ile5090Met (NM_001144769.5); c.14856C>G, p.Ile4952Met (NM_001144770.2); c.21627C>G, p.Ile7209Met (NM_001374722.1); c.20667C>G, p.Ile6889Met (NM_001374729.1); c.14409C>G, p.Ile4803Met (NM_001374730.1); c.21654C>G, p.Ile7218Met (NM_001374734.1); c.13758C>G, p.Ile4586Met (NM_015548.5); c.14736C>G, p.Ile4912Met (NM_183380.4); short protein forms I5090M, I6889M, I7218M, I4586M, I4803M, I4912M, I4952M, I7209M.
Identifiers: ClinVar variation 971889 (VCV000971889.8), dbSNP rs2095244497, ClinGen allele CA364511030.